The following is an entry in ClinVar:

ClinVar aggregate classification (germline): Uncertain significance. Review status: criteria provided, multiple submitters, no conflicts (2 of 4 stars). 2 submissions from 2 submitters: Uncertain significance (2). Last evaluated 2025-09-04.

Conditions:
MKKS-related disorder. Also called: MKKS-related condition; MKKS-related disorders.
Inborn genetic diseases. Identifiers: MedGen C0950123, MeSH D030342.

Submissions (2):

Ambry Genetics
Classification: Uncertain significance for Inborn genetic diseases. Last evaluated: 2025-09-04. Review status: criteria provided, single submitter. Criteria: Ambry Variant Classification Scheme 2023. Collection method: clinical testing. Allele origin: germline.

PreventionGenetics, part of Exact Sciences
Classification: Uncertain significance for MKKS-related condition. Last evaluated: 2025-08-10. Review status: criteria provided, single submitter. Criteria: ACMG Guidelines, 2015. Collection method: clinical testing. Allele origin: germline.
Comment: The MKKS c.1408A>C variant is predicted to result in the amino acid substitution p.Thr470Pro. To our knowledge, this variant has not been reported in the literature or in a large population database (gnomAD), indicating this variant is rare. At this time, the clinical significance of this variant is uncertain due to the absence of conclusive functional and genetic evidence.

NM_170784.3(MKKS):c.1408A>C (p.Thr470Pro)

Gene: MKKS (MKKS centrosomal shuttling protein; minus strand). Cytogenetic location: 20p12.2.
Variant type: single nucleotide variant.
Coding change: c.1408A>C on transcript NM_170784.3 (MANE Select); coding-DNA position 1408, A replaced by C.
Protein change: p.Thr470Pro; replaces threonine 470 with proline.
Molecular consequence: missense variant. On other transcripts: non-coding transcript variant (1).
Genome position (GRCh38, 1-based): chr20:10,405,552, T>G on the plus strand (A>C on the coding strand, the complement: MKKS is on the minus strand). VCF-style: chr20-10405552-T-G. GRCh37 (hg19) VCF-style: chr20-10386200-T-G.
Other names: c.1408A>C, p.Thr470Pro (NM_018848.3); short protein forms T470P.
Identifiers: ClinVar variation 4108397 (VCV004108397.2).